The following is an entry in ClinVar:

ClinVar aggregate classification (germline): Conflicting classifications of pathogenicity. Review status: criteria provided, conflicting classifications (1 of 4 stars). 4 submissions from 4 submitters: Uncertain significance (3); Likely benign (1). Last evaluated 2025-12-03.

Conditions:
Hereditary cancer-predisposing syndrome. Also called: Tumor predisposition; Neoplastic Syndromes, Hereditary; Hereditary Cancer Syndrome; Hereditary neoplastic syndrome. Identifiers: Orphanet 140162, MedGen C0027672, MeSH D009386, MONDO:0015356.
Tuberous sclerosis 2 (TSC2). Identifiers: Orphanet 805, MedGen C1860707, MONDO:0013199, OMIM 613254.

gnomAD v4.1: 1 of 1,613,866 alleles (0.000062%); highest among the groups gnomAD compares: Non-Finnish European, 0.000085%; no homozygotes.

Submissions (4):

Labcorp Genetics (formerly Invitae), Labcorp
Classification: Likely benign for Tuberous sclerosis 2. Last evaluated: 2025-12-03. Review status: criteria provided, single submitter. Criteria: Invitae Variant Classification Sherloc (09022015). Collection method: clinical testing. Allele origin: germline.

Ambry Genetics
Classification: Uncertain significance for Hereditary cancer-predisposing syndrome. Last evaluated: 2025-02-04. Review status: criteria provided, single submitter. Criteria: Ambry Variant Classification Scheme 2023. Collection method: clinical testing. Allele origin: germline.
Comment: The p.D559Y variant (also known as c.1675G>T), located in coding exon 15 of the TSC2 gene, results from a G to T substitution at nucleotide position 1675. The aspartic acid at codon 559 is replaced by tyrosine, an amino acid with highly dissimilar properties. This amino acid position is highly conserved in available vertebrate species. In addition, this alteration is predicted to be deleterious by in silico analysis. This variant was detected in multiple individuals with no reported features of Tuberous sclerosis complex (Ambry internal data). Based on the available evidence, the clinical significance of this variant remains unclear.

GeneDx
Classification: Uncertain significance. Last evaluated: 2024-03-28. Review status: criteria provided, single submitter. Criteria: GeneDx Variant Classification Process June 2021. Collection method: clinical testing. Allele origin: germline. Affected: yes.
Comment: Not observed at significant frequency in large population cohorts (gnomAD); In silico analysis supports that this missense variant has a deleterious effect on protein structure/function; Has not been previously published as pathogenic or benign to our knowledge

Genome-Nilou Lab
Classification: Uncertain significance for Tuberous sclerosis 2. Last evaluated: 2021-11-07. Review status: criteria provided, single submitter. Criteria: ACMG Guidelines, 2015. Collection method: clinical testing. Allele origin: germline. Affected: no.

NM_000548.5(TSC2):c.1675G>T (p.Asp559Tyr)

Gene: TSC2 (TSC complex subunit 2; plus strand). Cytogenetic location: 16p13.3.
Variant type: single nucleotide variant.
Coding change: c.1675G>T on transcript NM_000548.5 (MANE Select); coding-DNA position 1675, G replaced by T.
Protein change: p.Asp559Tyr; replaces aspartic acid 559 with tyrosine.
Molecular consequence: missense variant.
Genome position (GRCh38, 1-based): chr16:2,065,594, G>T. VCF-style: chr16-2065594-G-T. GRCh37 (hg19) VCF-style: chr16-2115595-G-T.
Other names: c.1675G>T, p.Asp559Tyr (NM_001077183.3, NM_001114382.3, NM_001363528.2 and 3 more transcripts); c.1564G>T, p.Asp522Tyr (NM_001318827.2); c.1528G>T, p.Asp510Tyr (NM_001318829.2); c.1075G>T, p.Asp359Tyr (NM_001318831.2); c.1708G>T, p.Asp570Tyr (NM_001318832.2); short protein forms D559Y, D359Y, D522Y, D570Y, D510Y.
Identifiers: ClinVar variation 486617 (VCV000486617.17), dbSNP rs1555503254, ClinGen allele CA394270458.